The following is an entry in ClinVar:

ClinVar aggregate classification (germline): Benign. Review status: reviewed by expert panel (3 of 4 stars). 15 submissions from 15 submitters: Benign (1). 14 of the submissions do not count toward it. Last evaluated 2019-06-18.

Conditions:
BRCA2-related cancer predisposition. Identifiers: MedGen CN377758, MONDO:0700269.
Hereditary cancer-predisposing syndrome. Also called: Tumor predisposition; Neoplastic Syndromes, Hereditary; Hereditary neoplastic syndrome; Hereditary Cancer Syndrome. Identifiers: Orphanet 140162, MedGen C0027672, MeSH D009386, MONDO:0015356.
Hereditary breast ovarian cancer syndrome. Also called: Hereditary breast and ovarian cancer; Hereditary breast and ovarian cancer syndrome (HBOC); Hereditary breast and/or ovarian cancer syndrome; Breast and ovarian cancer; Hereditary breast and ovarian cancer syndrome; BRCA1- and BRCA2-Associated Hereditary Breast and Ovarian Cancer. Identifiers: Orphanet 145, MedGen C0677776, MeSH D061325, MONDO:0003582. Disease mechanism: loss of function.
Breast-ovarian cancer, familial, susceptibility to, 2 (BROVCA2). Also called: BRCA2 Hereditary Breast and Ovarian Cancer. Identifiers: Orphanet 145, MedGen C2675520, MONDO:0012933, OMIM 612555. Disease mechanism: loss of function.
Malignant tumor of breast. Also called: Malignant breast neoplasm; Cancer breast. Identifiers: MedGen C0006142, MONDO:0007254. Disease mechanism: loss of function.

Allele frequency attached by ClinVar (database versions not stated): gnomAD 0.00001; TOPMed 0.00001; ExAC 0.00003; gnomAD exomes 0.00003.
gnomAD v4.1: 41 of 1,605,404 alleles (0.0026%); highest among the groups gnomAD compares: Middle Eastern, 0.017%; no homozygotes.

Submissions (15):

Evidence-based Network for the Interpretation of Germline Mutant Alleles (ENIGMA)
Classification: Benign for Breast-ovarian cancer, familial, susceptibility to, 2. Last evaluated: 2019-06-18. Review status: reviewed by expert panel. Criteria: ENIGMA BRCA1/2 Classification Criteria (2017-06-29). Collection method: curation. Allele origin: germline.
Comment: IARC class based on posterior probability from multifactorial likelihood analysis, thresholds for class as per Plon et al. 2008 (PMID: 18951446). Class 1 based on posterior probability = 0.000415

Labcorp Genetics (formerly Invitae), Labcorp
Classification: Likely benign for Hereditary breast ovarian cancer syndrome. Last evaluated: 2025-12-17. Review status: criteria provided, single submitter. Criteria: Invitae Variant Classification Sherloc (09022015). Collection method: clinical testing. Allele origin: germline. Not counted in ClinVar's aggregate classification.

Quest Diagnostics Nichols Institute San Juan Capistrano
Classification: Likely benign. Last evaluated: 2025-06-23. Review status: criteria provided, single submitter. Criteria: Quest Diagnostics criteria. Collection method: clinical testing. Allele origin: unknown. Not counted in ClinVar's aggregate classification.

Molecular Pathology, Peter Maccallum Cancer Centre
Classification: Benign for Breast-ovarian cancer, familial, susceptibility to, 2. Last evaluated: 2024-09-24. Review status: criteria provided, single submitter. Criteria: ACMG Guidelines, 2015. Collection method: clinical testing. Allele origin: germline. Inheritance: Autosomal dominant inheritance. Not counted in ClinVar's aggregate classification.

All of Us Research Program, National Institutes of Health
Classification: Benign for BRCA2-related cancer predisposition. Last evaluated: 2024-08-29. Review status: criteria provided, single submitter. Criteria: ACMG Guidelines, 2015. Collection method: clinical testing. Allele origin: germline. Inheritance: Autosomal dominant inheritance. Observed: 7 variant alleles, 7 heterozygotes. Not counted in ClinVar's aggregate classification.
Comment: This study involves interpretation of variants in research participants for the purpose of population health screening. Participant phenotype was not available at the time of variant classification. Additional details can be found in publication PMID: 35346344, PMCID: PMC8962531

Sema4
Classification: Likely benign for Hereditary cancer-predisposing syndrome. Last evaluated: 2021-06-17. Review status: criteria provided, single submitter. Criteria: Sema4 Curation Guidelines. Collection method: curation. Allele origin: germline. Not counted in ClinVar's aggregate classification.

Women's Health and Genetics/Laboratory Corporation of America, LabCorp
Classification: Benign. Last evaluated: 2021-01-30. Review status: criteria provided, single submitter. Criteria: LabCorp Variant Classification Summary - May 2015. Collection method: clinical testing. Allele origin: germline. Not counted in ClinVar's aggregate classification.
Comment: Variant summary: BRCA2 c.1810A>G (p.Lys604Glu) results in a conservative amino acid change in the encoded protein sequence. Four of five in-silico tools predict a benign effect of the variant on protein function. A recent report from the CAGI5 (fifth Critical Assessment of Genome Interpretation) challenge has classified this variant as benign (CAGI class 1) in a prediction protocol that includes assessment of the impact of this variant on splicing and protein function using four sets of predictors (Padilla_2019, Cline_2019). The variant allele was found at a frequency of 2.9e-05 in 240642 control chromosomes. The available data on variant occurrences in the general population are insufficient to allow any conclusion about variant significance. c.1810A>G has been reported in the literature in individuals affected with Breast And Ovarian Cancer (example, Ritterhouse_2016, Zuntini_2018). These report(s) do not provide unequivocal conclusions about association of the variant with Hereditary Breast And Ovarian Cancer Syndrome. At-least two co-occurrences with other pathogenic variant(s) have been reported in the UMD database and observed at our laboratory (UMD - BRCA1 c.5263_5264insC, p.Ser1755?fs; Our laboratory - BRCA1 c.68_69delAG, p.Glu23ValfsX17), providing supporting evidence for a benign role. To our knowledge, no experimental evidence demonstrating an impact on protein function has been reported. Multiple clinical diagnostic laboratories and one expert panel (ENIGMA) have submitted clinical-significance assessments for this variant to ClinVar after 2014 without evidence for independent evaluation. The variant is classified predominantly as benign (Expert Panel)/likely benign (n=5). Based on the evidence outlined above, the variant was classified as benign.

GeneDx
Classification: Likely benign. Last evaluated: 2017-12-21. Review status: criteria provided, single submitter. Criteria: GeneDx Variant Classification (06012015). Collection method: clinical testing. Allele origin: germline. Affected: yes. Not counted in ClinVar's aggregate classification.
Comment: This variant is considered likely benign or benign based on one or more of the following criteria: it is a conservative change, it occurs at a poorly conserved position in the protein, it is predicted to be benign by multiple in silico algorithms, and/or has population frequency not consistent with disease.

Color Diagnostics, LLC DBA Color Health
Classification: Benign for Hereditary cancer-predisposing syndrome. Last evaluated: 2016-11-16. Review status: criteria provided, single submitter. Criteria: ACMG Guidelines, 2015. Collection method: clinical testing. Allele origin: germline. Not counted in ClinVar's aggregate classification.

Ambry Genetics
Classification: Benign for Hereditary cancer-predisposing syndrome. Last evaluated: 2014-11-19. Review status: criteria provided, single submitter. Criteria: Ambry Variant Classification Scheme 2023. Collection method: clinical testing. Allele origin: germline. Not counted in ClinVar's aggregate classification.

Department of Medical and Surgical Sciences, University of Bologna
Classification: Benign for Breast-ovarian cancer, familial, susceptibility to, 2. Last evaluated: 2023-09-01. Review status: no assertion criteria provided. Collection method: clinical testing. Allele origin: germline. Affected: yes. Not counted in ClinVar's aggregate classification.
Comment: BP1(Strong)+BP5(Strong) according to ACMG/AMP classification guidelines specified for BRCA1 & BRCA2 (Classification Criteria V1.0.0 2023-09-08) (PMID: 38160042)

Counsyl
Classification: Uncertain significance for Breast-ovarian cancer, familial, susceptibility to, 2. Last evaluated: 2016-07-26. Review status: no assertion criteria provided. Collection method: clinical testing. Allele origin: unknown. Not counted in ClinVar's aggregate classification.

Sharing Clinical Reports Project (SCRP)
Classification: Benign for Breast-ovarian cancer, familial 2. Last evaluated: 2009-11-18. Review status: no assertion criteria provided. Collection method: clinical testing. Allele origin: germline. Not counted in ClinVar's aggregate classification.

Breast Cancer Information Core (BIC) (BRCA2)
Classification: Uncertain significance for Breast-ovarian cancer, familial 2. Last evaluated: 2004-02-20. Review status: no assertion criteria provided. Collection method: clinical testing. Allele origin: germline. Affected: yes. Observed: 9 variant alleles. Not counted in ClinVar's aggregate classification.

Department of Pathology and Laboratory Medicine, Sinai Health System
Classification: Uncertain significance for Malignant tumor of breast. Review status: no assertion criteria provided. Collection method: clinical testing. Allele origin: unknown. Affected: yes. Observed: 1 variant allele. Study: The Canadian Open Genetics Repository (COGR). Not counted in ClinVar's aggregate classification.
Comment: The p.Lys604Glu variant has not been previously reported in the literature, though it has been recorded in the BIC (x9) database. It is listed in the dbSNP database as coming from a "clinical source" (ID#:rs80358467), but no frequency information was provided, and so the prevalence of this variant in the population is not known. This residue is conserved in mammals, and computational analyses (PolyPhen, SIFT, AlignGVGD) do not suggest a high likelihood of impact to the protein. However, this information is not predictive enough to rule out pathogenicity. In summary, based on the above information, the clinical significance of this variant cannot be determined with certainty at this time. This variant is classified as a variant of unknown significance.

Literature cited by the submitters: PubMed 31131967 (cited by Evidence-based Network for the Interpretation of Germline Mutant Alleles (ENIGMA) and Quest Diagnostics Nichols Institute San Juan Capistrano); PubMed 30254663 (cited by Quest Diagnostics Nichols Institute San Juan Capistrano and Women's Health and Genetics/Laboratory Corporation of America, LabCorp); PubMed 31825140 (cited by Quest Diagnostics Nichols Institute San Juan Capistrano and Women's Health and Genetics/Laboratory Corporation of America, LabCorp); PubMed 31294896 (cited by Quest Diagnostics Nichols Institute San Juan Capistrano and Women's Health and Genetics/Laboratory Corporation of America, LabCorp); PubMed 31112341 (cited by Quest Diagnostics Nichols Institute San Juan Capistrano and Women's Health and Genetics/Laboratory Corporation of America, LabCorp); PubMed 27150160 (cited by Quest Diagnostics Nichols Institute San Juan Capistrano and Women's Health and Genetics/Laboratory Corporation of America, LabCorp).

NM_000059.4(BRCA2):c.1810A>G (p.Lys604Glu)

Gene: BRCA2 (BRCA2 DNA repair associated; plus strand). Cytogenetic location: 13q13.1.
Variant type: single nucleotide variant.
Coding change: c.1810A>G on transcript NM_000059.4 (MANE Select); coding-DNA position 1810, A replaced by G.
Protein change: p.Lys604Glu; replaces lysine 604 with glutamic acid.
Molecular consequence: missense variant.
Genome position (GRCh38, 1-based): chr13:32,333,288, A>G. VCF-style: chr13-32333288-A-G. GRCh37 (hg19) VCF-style: chr13-32907425-A-G.
Other names: 2038A>G; short protein forms K604E.
Identifiers: ClinVar variation 37760 (VCV000037760.34), dbSNP rs80358467, ClinGen allele CA013365.